The following is an entry in ClinVar:

ClinVar aggregate classification (germline): Uncertain significance (1 of 4 stars; one submission).

Conditions:
Catecholaminergic polymorphic ventricular tachycardia 1. Also called: VENTRICULAR TACHYCARDIA, STRESS-INDUCED POLYMORPHIC 1; RYR2-Related Catecholaminergic Polymorphic Ventricular Tachycardia; VENTRICULAR TACHYCARDIA, CATECHOLAMINERGIC POLYMORPHIC, 1, WITH OR WITHOUT ATRIAL DYSFUNCTION AND/OR DILATED CARDIOMYOPATHY. Identifiers: Orphanet 3286, MedGen C1631597, MONDO:0011484, OMIM 604772.

gnomAD v4.1: 7 of 1,613,754 alleles (0.00043%); highest among the groups gnomAD compares: Non-Finnish European, 0.00034%; no homozygotes.

Submission:

Labcorp Genetics (formerly Invitae), Labcorp
Classification: Uncertain significance for Catecholaminergic polymorphic ventricular tachycardia 1. Last evaluated: 2025-03-16. Review status: criteria provided, single submitter. Criteria: Invitae Variant Classification Sherloc (09022015). Collection method: clinical testing. Allele origin: germline.
Comment: This sequence change replaces threonine, which is neutral and polar, with methionine, which is neutral and non-polar, at codon 66 of the CASQ2 protein (p.Thr66Met). This variant is not present in population databases (gnomAD no frequency). This variant has not been reported in the literature in individuals affected with CASQ2-related conditions. Invitae Evidence Modeling of protein sequence and biophysical properties (such as structural, functional, and spatial information, amino acid conservation, physicochemical variation, residue mobility, and thermodynamic stability) indicates that this missense variant is not expected to disrupt CASQ2 protein function with a negative predictive value of 95%. In summary, the available evidence is currently insufficient to determine the role of this variant in disease. Therefore, it has been classified as a Variant of Uncertain Significance.

NM_001232.4(CASQ2):c.197C>T (p.Thr66Met)

Gene: CASQ2 (calsequestrin 2; minus strand). Cytogenetic location: 1p13.1.
Variant type: single nucleotide variant.
Coding change: c.197C>T on transcript NM_001232.4 (MANE Select); coding-DNA position 197, C replaced by T.
Protein change: p.Thr66Met; replaces threonine 66 with methionine.
Molecular consequence: missense variant.
Genome position (GRCh38, 1-based): chr1:115,768,345, G>A on the plus strand (C>T on the coding strand, the complement: CASQ2 is on the minus strand). VCF-style: chr1-115768345-G-A. GRCh37 (hg19) VCF-style: chr1-116310966-G-A.
Other names: short protein forms T66M.
Identifiers: ClinVar variation 4797646 (VCV004797646.1).
Genomic context (GRCh38, chr1:115,768,345, plus strand): 5'-CAGCATGCCCTTTGGTTACTTACCTCAAGCACGATTTCTTTCAGTTGGAACTGTTTTTGC[G>A]TGACCTTATCTGAAGACACCGGCTCATGGTAGTAGAGGCAAAGCAAGTCATATTTCTTTA-3'
Protein context (NP_001223.2, residues 56-76): YHEPVSSDKV[Thr66Met]QKQFQLKEIV